The following is an entry in ClinVar:

NM_005045.4(RELN):c.331G>A (p.Gly111Arg)

Gene: RELN (reelin; minus strand). Cytogenetic location: 7q22.1.
Variant type: single nucleotide variant.
Coding change: c.331G>A on transcript NM_005045.4 (MANE Select); coding-DNA position 331, G replaced by A.
Protein change: p.Gly111Arg; replaces glycine 111 with arginine.
Molecular consequence: missense variant.
Genome position (GRCh38, 1-based): chr7:103,917,081, C>T on the plus strand (G>A on the coding strand, the complement: RELN is on the minus strand). VCF-style: chr7-103917081-C-T. GRCh37 (hg19) VCF-style: chr7-103557528-C-T.
Other names: c.331G>A (NM_005045.3); c.331G>A, p.Gly111Arg (NM_173054.3); short protein forms G111R.
Identifiers: ClinVar variation 1496209 (VCV001496209.9), dbSNP rs760704088, ClinGen allele CA4422629.

ClinVar aggregate classification (germline): Uncertain significance. Review status: criteria provided, multiple submitters, no conflicts (2 of 4 stars). 3 submissions from 3 submitters: Uncertain significance (3). Last evaluated 2024-10-01.

Conditions:
Norman-Roberts syndrome (LIS2). Also called: Lissencephaly 2 (Norman-Roberts type). Identifiers: Orphanet 89844, MedGen C0796089, MONDO:0009760, OMIM 257320.
Familial temporal lobe epilepsy 7. Identifiers: Orphanet 101046, MedGen C4225327, MONDO:0014639, OMIM 616436.
RELN-related disorder. Also called: RELN-related condition.

Allele frequency attached by ClinVar (database versions not stated): gnomAD exomes 0.00001; ExAC 0.00002; TOPMed 0.00002.
gnomAD v4.1: 12 of 1,612,240 alleles (0.00074%); highest among the groups gnomAD compares: South Asian, 0.0022%; no homozygotes.

Submissions (3):

Labcorp Genetics (formerly Invitae), Labcorp
Classification: Uncertain significance for Familial temporal lobe epilepsy 7; Norman-Roberts syndrome. Last evaluated: 2024-10-01. Review status: criteria provided, single submitter. Criteria: Invitae Variant Classification Sherloc (09022015). Collection method: clinical testing. Allele origin: germline.
Comment: This sequence change replaces glycine, which is neutral and non-polar, with arginine, which is basic and polar, at codon 111 of the RELN protein (p.Gly111Arg). This variant is present in population databases (rs760704088, gnomAD 0.004%). This missense change has been observed in individual(s) with unspecified neurodevelopmental disorder(s) (PMID: 33004838). ClinVar contains an entry for this variant (Variation ID: 1496209). Invitae Evidence Modeling of protein sequence and biophysical properties (such as structural, functional, and spatial information, amino acid conservation, physicochemical variation, residue mobility, and thermodynamic stability) indicates that this missense variant is not expected to disrupt RELN protein function with a negative predictive value of 80%. In summary, the available evidence is currently insufficient to determine the role of this variant in disease. Therefore, it has been classified as a Variant of Uncertain Significance.

PreventionGenetics, part of Exact Sciences
Classification: Uncertain significance for RELN-related condition. Last evaluated: 2023-04-04. Review status: criteria provided, single submitter. Criteria: ACMG Guidelines, 2015. Collection method: clinical testing. Allele origin: germline.
Comment: The RELN c.331G>A variant is predicted to result in the amino acid substitution p.Gly111Arg. This variant was reported in a cohort of individuals with a neurodevelopmental disorder phenotype (Supplemental Data 5, Wang et al 2020. PubMed ID: 33004838). This variant is reported in 0.0046% of alleles in individuals of European (Finnish) descent in gnomAD. At this time, the clinical significance of this variant is uncertain due to the absence of conclusive functional and genetic evidence.

Blueprint Genetics
Classification: Uncertain significance. Last evaluated: 2022-12-02. Review status: criteria provided, single submitter. Criteria: ACMG Guidelines, 2015. Collection method: clinical testing. Allele origin: germline.

Literature cited by the submitters: PubMed 33004838 (cited by Labcorp Genetics (formerly Invitae), Labcorp).